The following is an entry in ClinVar:

ClinVar aggregate classification (germline): Uncertain significance (1 of 4 stars; one submission).

Submission:

Labcorp Genetics (formerly Invitae), Labcorp
Classification: Uncertain significance. Last evaluated: 2022-02-09. Review status: criteria provided, single submitter. Criteria: Invitae Variant Classification Sherloc (09022015). Collection method: clinical testing. Allele origin: germline.
Comment: This variant, c.5965_5967del, results in the deletion of 1 amino acid(s) of the ASPM protein (p.Lys1989del), but otherwise preserves the integrity of the reading frame. This variant is present in population databases (no rsID available, gnomAD 0.01%). This variant has not been reported in the literature in individuals affected with ASPM-related conditions. In summary, the available evidence is currently insufficient to determine the role of this variant in disease. Therefore, it has been classified as a Variant of Uncertain Significance. Experimental studies and prediction algorithms are not available or were not evaluated, and the functional significance of this variant is currently unknown.

NM_018136.5(ASPM):c.5962AAG[1] (p.Lys1989del)

Gene: ASPM (assembly factor for spindle microtubules; minus strand). Cytogenetic location: 1q31.3.
Variant type: Microsatellite.
Coding change: c.5962AAG[1] on transcript NM_018136.5 (MANE Select); one copy of the 3-base unit AAG starting at c.5962; the reference has two copies in a row; one copy, 3 bases deleted.
Protein change: p.Lys1989del; deletes lysine 1989.
Molecular consequence: inframe deletion. On other transcripts: intron variant (1).
Genome position (GRCh38, 1-based): chr1:197,103,284-197,103,286, CTT deleted on the plus strand (AAG on the coding strand, the reverse complement: ASPM is on the minus strand); deleting any 3 consecutive bases within chr1:197,103,284-197,103,289 gives the same sequence; the position shown is the placement nearest the transcript's 3' end. VCF-style (leftmost placement, unchanged base first): chr1-197103283-ACTT-A. GRCh37 (hg19) VCF-style: chr1-197072413-ACTT-A.
Other names: c.4066-7122_4066-7120del (NM_001206846.2); short protein forms K1989del.
Identifiers: ClinVar variation 1506290 (VCV001506290.8), dbSNP rs1184704940, ClinGen allele CA528535008.
Genomic context (GRCh38, chr1:197,103,283, plus strand): 5'-CAATACTGTAAGCCCTATAATACTTTTGAATCAGAAGAGCAGCTTTTTTCATGATTTTCC[ACTT>A]CTTTTGTTGCACATGCATTCTATAGTATGACTGTATGATGATAGCACATTTATGTTGCCT-3'